The following is an entry in ClinVar:

ClinVar aggregate classification (germline): Uncertain significance. Review status: criteria provided, multiple submitters, no conflicts (2 of 4 stars). 2 submissions from 2 submitters: Uncertain significance (2). Last evaluated 2024-10-16.

Conditions:
Mitochondrial complex III deficiency nuclear type 2. Identifiers: MedGen C3554605, MONDO:0014063, OMIM 615157.

Allele frequency attached by ClinVar (database versions not stated): gnomAD exomes 0.00001; TOPMed 0.00002; gnomAD 0.00003.
gnomAD v4.1: 62 of 1,613,574 alleles (0.0038%); highest among the groups gnomAD compares: Middle Eastern, 0.016%; no homozygotes.

Submissions (2):

Labcorp Genetics (formerly Invitae), Labcorp
Classification: Uncertain significance. Last evaluated: 2024-10-16. Review status: criteria provided, single submitter. Criteria: Invitae Variant Classification Sherloc (09022015). Collection method: clinical testing. Allele origin: germline.
Comment: This sequence change replaces arginine, which is basic and polar, with glutamine, which is neutral and polar, at codon 333 of the TTC19 protein (p.Arg333Gln). This variant is present in population databases (no rsID available, gnomAD 0.0009%). This variant has not been reported in the literature in individuals affected with TTC19-related conditions. ClinVar contains an entry for this variant (Variation ID: 889941). Invitae Evidence Modeling of protein sequence and biophysical properties (such as structural, functional, and spatial information, amino acid conservation, physicochemical variation, residue mobility, and thermodynamic stability) indicates that this missense variant is not expected to disrupt TTC19 protein function with a negative predictive value of 80%. Algorithms developed to predict the effect of sequence changes on RNA splicing suggest that this variant may disrupt the consensus splice site. In summary, the available evidence is currently insufficient to determine the role of this variant in disease. Therefore, it has been classified as a Variant of Uncertain Significance.

Illumina Laboratory Services, Illumina
Classification: Uncertain significance for Mitochondrial complex III deficiency nuclear type 2. Last evaluated: 2018-01-13. Review status: criteria provided, single submitter. Criteria: ICSL Variant Classification Criteria 13 December 2019. Collection method: clinical testing. Allele origin: germline.

NM_017775.4(TTC19):c.998G>A (p.Arg333Gln)

Gene: TTC19 (tetratricopeptide repeat domain 19; plus strand). Cytogenetic location: 17p12.
Variant type: single nucleotide variant.
Coding change: c.998G>A on transcript NM_017775.4 (MANE Select); coding-DNA position 998, G replaced by A.
Protein change: p.Arg333Gln; replaces arginine 333 with glutamine.
Molecular consequence: missense variant.
Genome position (GRCh38, 1-based): chr17:16,027,377, G>A. VCF-style: chr17-16027377-G-A. GRCh37 (hg19) VCF-style: chr17-15930691-G-A.
Other names: c.677G>A, p.Arg226Gln (NM_001271420.2); short protein forms R226Q, R333Q.
Identifiers: ClinVar variation 889941 (VCV000889941.11), dbSNP rs1483019285, ClinGen allele CA398378273.